The following is an entry in ClinVar:

NM_002691.4(POLD1):c.1677G>A (p.Leu559=)

Gene: POLD1 (DNA polymerase delta 1, catalytic subunit; plus strand). Cytogenetic location: 19q13.33.
Variant type: single nucleotide variant.
Coding change: c.1677G>A on transcript NM_002691.4 (MANE Select); coding-DNA position 1677, G replaced by A.
Protein change: p.Leu559=; no amino-acid change (leucine 559 retained).
Molecular consequence: synonymous variant. On other transcripts: non-coding transcript variant (1).
Genome position (GRCh38, 1-based): chr19:50,407,165, G>A. VCF-style: chr19-50407165-G-A. GRCh37 (hg19) VCF-style: chr19-50910422-G-A.
Other names: c.1677G>A, p.Leu559= (NM_001256849.1, NM_001308632.1).
Identifiers: ClinVar variation 537158 (VCV000537158.14), dbSNP rs1555791446, ClinGen allele CA508184180.
Genomic context (GRCh38, chr19:50,407,165, plus strand): 5'-TGGCGTGCCCCTCAGCTACCTGCTCAGTCGTGGCCAGCAGGTCAAGGTCGTATCCCAGCT[G>A]TTGCGGCAGGTCAGTAGCCGAGACTTGTCCTCGCCACCCCCCACCAGGCACGTCTGTGGC-3'
Protein context (NP_002682.2, residues 549-569): RGQQVKVVSQ[Leu559=]LRQAMHEGLL

ClinVar aggregate classification (germline): Benign/Likely benign. Review status: criteria provided, multiple submitters, no conflicts (2 of 4 stars). 3 submissions from 3 submitters: Benign (1); Likely benign (2). Last evaluated 2025-02-07.

Conditions:
Hereditary cancer-predisposing syndrome. Also called: Tumor predisposition; Neoplastic Syndromes, Hereditary; Hereditary Cancer Syndrome; Hereditary neoplastic syndrome. Identifiers: Orphanet 140162, MedGen C0027672, MeSH D009386, MONDO:0015356.
POLD1-related polyposis and colorectal cancer syndrome (CRCS10). Also called: Colorectal cancer 10; COLORECTAL CANCER, SUSCEPTIBILITY TO, ON CHROMOSOME 19q; Colorectal cancer, susceptibility to, 10. Identifiers: Orphanet 220460, MedGen C2675481, MONDO:0012953, OMIM 612591.

Submissions (3):

Myriad Genetics, Inc.
Classification: Benign for POLD1-related polyposis and colorectal cancer syndrome. Last evaluated: 2025-02-07. Review status: criteria provided, single submitter. Criteria: Myriad Autosomal Dominant, Autosomal Recessive and X-Linked Classification Criteria (2023). Collection method: clinical testing. Allele origin: unknown.
Comment: This variant is considered benign. This variant is a silent/synonymous amino acid change and it is not expected to impact splicing.

Ambry Genetics
Classification: Likely benign for Hereditary cancer-predisposing syndrome. Last evaluated: 2020-10-12. Review status: criteria provided, single submitter. Criteria: Ambry Variant Classification Scheme 2023. Collection method: clinical testing. Allele origin: germline.

Labcorp Genetics (formerly Invitae), Labcorp
Classification: Likely benign for POLD1-related polyposis and colorectal cancer syndrome. Last evaluated: 2018-11-02. Review status: criteria provided, single submitter. Criteria: Invitae Variant Classification Sherloc (09022015). Collection method: clinical testing. Allele origin: germline.